The following is an entry in ClinVar:

ClinVar aggregate classification (germline): Uncertain significance. Review status: criteria provided, multiple submitters, no conflicts (2 of 4 stars). 4 submissions from 4 submitters: Uncertain significance (4). Last evaluated 2025-12-03.

Conditions:
Dyskeratosis congenita, X-linked (DKCX). Also called: Zinsser-Cole-Engman Syndrome. Identifiers: MedGen C1148551, MONDO:0010584, OMIM 305000.
Cataracts, hearing impairment, nephrotic syndrome, and enterocolitis 1 (CHINE1). Identifiers: MedGen C5829571, MONDO:0958178, OMIM 301108.
Dyskeratosis congenita. Identifiers: Orphanet 1775, MedGen C0265965, MONDO:0015780.

Allele frequency attached by ClinVar (database versions not stated): gnomAD 0.00001; gnomAD exomes 0.00002; ExAC 0.00005; ESP Exome Variant Server 0.00009.
gnomAD v4.1: 19 of 1,208,977 alleles (0.0016%); highest among the groups gnomAD compares: Non-Finnish European, 0.002%; no homozygotes.

Submissions (4):

Labcorp Genetics (formerly Invitae), Labcorp
Classification: Uncertain significance for Dyskeratosis congenita. Last evaluated: 2025-12-03. Review status: criteria provided, single submitter. Criteria: Invitae Variant Classification Sherloc (09022015). Collection method: clinical testing. Allele origin: germline.
Comment: This sequence change replaces serine, which is neutral and polar, with arginine, which is basic and polar, at codon 451 of the DKC1 protein (p.Ser451Arg). This variant is present in population databases (rs370788135, gnomAD 0.005%). This variant has not been reported in the literature in individuals affected with DKC1-related conditions. ClinVar contains an entry for this variant (Variation ID: 1163206). Invitae Evidence Modeling of protein sequence and biophysical properties (such as structural, functional, and spatial information, amino acid conservation, physicochemical variation, residue mobility, and thermodynamic stability) indicates that this missense variant is not expected to disrupt DKC1 protein function with a negative predictive value of 80%. In summary, the available evidence is currently insufficient to determine the role of this variant in disease. Therefore, it has been classified as a Variant of Uncertain Significance.

Fulgent Genetics
Classification: Uncertain significance for Cataracts, hearing impairment, nephrotic syndrome, and enterocolitis 1; Dyskeratosis congenita, X-linked. Last evaluated: 2024-05-15. Review status: criteria provided, single submitter. Criteria: ACMG Guidelines, 2015. Collection method: clinical testing. Allele origin: germline.

Mayo Clinic Laboratories, Mayo Clinic
Classification: Uncertain significance. Last evaluated: 2020-12-03. Review status: criteria provided, single submitter. Criteria: ACMG Guidelines, 2015. Collection method: clinical testing. Allele origin: germline. Observed: 1 variant allele.

Genetic Services Laboratory, University of Chicago
Classification: Uncertain significance. Last evaluated: 2019-02-18. Review status: criteria provided, single submitter. Criteria: ACMG Guidelines, 2015. Collection method: clinical testing. Allele origin: germline. Affected: no.

NM_001363.5(DKC1):c.1353T>A (p.Ser451Arg)

Gene: DKC1 (dyskerin pseudouridine synthase 1; plus strand). Cytogenetic location: Xq28.
Variant type: single nucleotide variant.
Coding change: c.1353T>A on transcript NM_001363.5 (MANE Select); coding-DNA position 1353, T replaced by A.
Protein change: p.Ser451Arg; replaces serine 451 with arginine.
Molecular consequence: missense variant. On other transcripts: 3 prime UTR variant (1), non-coding transcript variant (3).
Genome position (GRCh38, 1-based): chrX:154,776,201, T>A. VCF-style: chrX-154776201-T-A. GRCh37 (hg19) VCF-style: chrX-154004476-T-A.
Other names: c.1338T>A, p.Ser446Arg (NM_001142463.3); c.*579T>A (NM_001288747.2); short protein forms S446R, S451R.
Identifiers: ClinVar variation 1163206 (VCV001163206.18), dbSNP rs370788135, ClinGen allele CA10567266.